The following is an entry in ClinVar:

NM_001184785.2(PARD3):c.2560+10A>G

Gene: PARD3 (par-3 family cell polarity regulator; minus strand). Cytogenetic location: 10p11.21.
Variant type: single nucleotide variant.
Coding change: c.2560+10A>G on transcript NM_001184785.2 (MANE Select); 10 bases into the intron after coding-DNA position 2560, A replaced by G.
Molecular consequence: intron variant.
Genome position (GRCh38, 1-based): chr10:34,337,265, T>C on the plus strand (A>G on the coding strand, the complement: PARD3 is on the minus strand). VCF-style: chr10-34337265-T-C. GRCh37 (hg19) VCF-style: chr10-34626193-T-C.
Other names: c.2299+100A>G (NM_001184790.2); c.2389+10A>G (NM_001184791.2); c.2431+100A>G (NM_001184789.2, NM_001184788.2, NM_001184794.2); c.2521+10A>G (NM_001184786.2); c.2569+10A>G (NM_001184787.2, NM_019619.4); c.2470+100A>G (NM_001184793.2); c.2560+10A>G (NM_001184792.2).
Identifiers: ClinVar variation 716988 (VCV000716988.6), dbSNP rs58731858, ClinGen allele CA5467589.
Genomic context (GRCh38, chr10:34,337,265, plus strand): 5'-GGGACCATCAATTTTATCCTGAAAGCATTTAAAACTTATTTAGATAAAGATTCATGGAGA[T>C]TGTACTCACTACCTAAATCCATGCTTTTTGATTTTCGTGTTTTAACGAAATCCAATTGAC-3'

ClinVar aggregate classification (germline): Benign. Review status: criteria provided, multiple submitters, no conflicts (2 of 4 stars). 3 submissions from 3 submitters: Benign (2). 1 of the submissions does not count toward it. Last evaluated 2018-10-24.

Conditions:
PARD3-related disorder. Also called: PARD3-related condition.

Allele frequency attached by ClinVar (database versions not stated): gnomAD exomes 0.00055 and 0.00141; ExAC 0.00203; ESP Exome Variant Server 0.00492; gnomAD 0.00596 and 0.00630; TOPMed 0.00670; 1000 Genomes Project 30x 0.00671; 1000 Genomes Project 0.00699.
gnomAD v4.1: 1,698 of 1,539,608 alleles (0.11%); highest among the groups gnomAD compares: African/African-American, 2.1%; 18 homozygotes.

Submissions (3):

Labcorp Genetics (formerly Invitae), Labcorp
Classification: Benign. Last evaluated: 2018-10-24. Review status: criteria provided, single submitter. Criteria: Invitae Variant Classification Sherloc (09022015). Collection method: clinical testing. Allele origin: germline.

Breakthrough Genomics
Classification: Benign. Review status: criteria provided, single submitter. Criteria: ACMG Guidelines, 2015. Collection method: not provided. Allele origin: germline. Inheritance: Unknown mechanism. Affected: yes.

PreventionGenetics, part of Exact Sciences
Classification: Benign for PARD3-related condition. Last evaluated: 2019-05-24. Review status: no assertion criteria provided. Collection method: clinical testing. Allele origin: germline. Not counted in ClinVar's aggregate classification.
Comment: This variant is classified as benign based on ACMG/AMP sequence variant interpretation guidelines (Richards et al. 2015 PMID: 25741868, with internal and published modifications).